The following is an entry in ClinVar:

ClinVar aggregate classification (germline): drug response (0 of 4 stars; one submission).

Conditions:
Corticosteroids response. Also called: Corticosteroid response.

Submission:

Genetic Testing Lab, Ashok and Rita Patel Institute of Integrated Study and Research in Biotechnology and Allied Sciences
Classification: drug response for Corticosteroid response. Last evaluated: 2022-05-20. Review status: no assertion criteria provided. Collection method: research. Allele origin: somatic. Affected: yes. Observed: 27 variant alleles.
Comment: Depending upon patients response to standard corticosteroids therapy, they were classified to be either Steroid resistance(SRNS)(poor metabolizer) or steroid sensitive(SSNS)(likley responsive)

NM_004998.4(MYO1E):c.1796A>T (p.Glu599Val)

Gene: MYO1E (myosin IE; minus strand). Cytogenetic location: 15q22.2.
Variant type: single nucleotide variant.
Coding change: c.1796A>T on transcript NM_004998.4 (MANE Select); coding-DNA position 1796, A replaced by T.
Protein change: p.Glu599Val; replaces glutamic acid 599 with valine.
Molecular consequence: missense variant.
Genome position (GRCh38, 1-based): chr15:59,195,470, T>A on the plus strand (A>T on the coding strand, the complement: MYO1E is on the minus strand). VCF-style: chr15-59195470-T-A. GRCh37 (hg19) VCF-style: chr15-59487669-T-A.
Other names: short protein forms E599V.
Identifiers: ClinVar variation 1698690 (VCV001698690.2), dbSNP rs2140330159, ClinGen allele CA392642088.